The following is an entry in ClinVar:

ClinVar aggregate classification (germline): Benign. Review status: criteria provided, multiple submitters, no conflicts (2 of 4 stars). 4 submissions from 4 submitters: Benign (4). Last evaluated 2024-11-26.

Conditions:
Kufor-Rakeb syndrome (KRS). Also called: PARKINSON DISEASE 9, AUTOSOMAL RECESSIVE, JUVENILE-ONSET. Identifiers: Orphanet 306674, Orphanet 314632, MedGen C1847640, MONDO:0011706, OMIM 606693.

Allele frequency attached by ClinVar (database versions not stated): 1000 Genomes Project 0.01318; 1000 Genomes Project 30x 0.01374; TOPMed 0.03387; gnomAD 0.03972 and 0.04122; gnomAD exomes 0.03974 and 0.05370; ESP Exome Variant Server 0.04314; ExAC 0.07943.
gnomAD v4.1: 81,081 of 1,559,316 alleles (5.2%); highest among the groups gnomAD compares: Non-Finnish European, 6.1%; 2,562 homozygotes.

Submissions (4):

Blueprint Genetics
Classification: Benign. Last evaluated: 2024-11-26. Review status: criteria provided, single submitter. Criteria: ACMG Guidelines, 2015. Collection method: clinical testing. Allele origin: germline.

GeneDx
Classification: Benign. Last evaluated: 2018-07-17. Review status: criteria provided, single submitter. Criteria: GeneDx Variant Classification Process June 2021. Collection method: clinical testing. Allele origin: germline. Affected: yes.

Illumina Laboratory Services, Illumina
Classification: Benign for Kufor-Rakeb syndrome. Last evaluated: 2018-01-12. Review status: criteria provided, single submitter. Criteria: ICSL Variant Classification Criteria 13 December 2019. Collection method: clinical testing. Allele origin: germline.
Comment: This variant was observed in the ICSL laboratory as part of a predisposition screen in an ostensibly healthy population. It had not been previously curated by ICSL or reported in the Human Gene Mutation Database (HGMD: prior to June 1st, 2018), and was therefore a candidate for classification through an automated scoring system. Utilizing variant allele frequency, disease prevalence and penetrance estimates, and inheritance mode, an automated score was calculated to assess if this variant is too frequent to cause the disease. Based on the score and internal cut-off values, a variant classified as benign is not then subjected to further curation. The score for this variant resulted in a classification of benign for this disease.

Breakthrough Genomics
Classification: Benign. Review status: criteria provided, single submitter. Criteria: ACMG Guidelines, 2015. Collection method: not provided. Allele origin: germline. Inheritance: Autosomal recessive inheritance. Affected: yes.

NM_022089.4(ATP13A2):c.*124C>T

Gene: ATP13A2 (ATPase cation transporting 13A2; minus strand). Cytogenetic location: 1p36.13.
Variant type: single nucleotide variant.
Coding change: c.*124C>T on transcript NM_022089.4 (MANE Select); 124 bases downstream of the stop codon, C replaced by T.
Molecular consequence: 3 prime UTR variant. On other transcripts: missense variant (1).
Genome position (GRCh38, 1-based): chr1:16,986,097, G>A on the plus strand (C>T on the coding strand, the complement: ATP13A2 is on the minus strand). VCF-style: chr1-16986097-G-A. GRCh37 (hg19) VCF-style: chr1-17312592-G-A.
Other names: c.*124C>T (NM_001141973.3); c.3365C>T, p.Pro1122Leu (NM_001141974.3); short protein forms P1122L.
Identifiers: ClinVar variation 293763 (VCV000293763.8), dbSNP rs15786, ClinGen allele CA636425.